The following is an entry in ClinVar:

ClinVar aggregate classification (germline): Uncertain significance. Review status: criteria provided, multiple submitters, no conflicts (2 of 4 stars). 3 submissions from 3 submitters: Uncertain significance (3). Last evaluated 2022-06-28.

Conditions:
Inborn genetic diseases. Identifiers: MedGen C0950123, MeSH D030342.

Allele frequency attached by ClinVar (database versions not stated): gnomAD 0.00001; gnomAD exomes 0.00001 and 0.00002; ExAC 0.00002; TOPMed 0.00002.
gnomAD v4.1: 15 of 1,614,056 alleles (0.00093%); highest among the groups gnomAD compares: East Asian, 0.0045%; no homozygotes.

Submissions (3):

Ambry Genetics
Classification: Uncertain significance for Inborn genetic diseases. Last evaluated: 2022-06-28. Review status: criteria provided, single submitter. Criteria: Ambry Variant Classification Scheme 2023. Collection method: clinical testing. Allele origin: germline.

Blueprint Genetics
Classification: Uncertain significance. Last evaluated: 2022-03-15. Review status: criteria provided, single submitter. Criteria: ACMG Guidelines, 2015. Collection method: clinical testing. Allele origin: germline.

Labcorp Genetics (formerly Invitae), Labcorp
Classification: Uncertain significance. Last evaluated: 2022-02-10. Review status: criteria provided, single submitter. Criteria: Invitae Variant Classification Sherloc (09022015). Collection method: clinical testing. Allele origin: germline.
Comment: In summary, the available evidence is currently insufficient to determine the role of this variant in disease. Therefore, it has been classified as a Variant of Uncertain Significance. Algorithms developed to predict the effect of missense changes on protein structure and function are either unavailable or do not agree on the potential impact of this missense change (SIFT: "Deleterious"; PolyPhen-2: "Benign"; Align-GVGD: "Class C0"). This variant has not been reported in the literature in individuals affected with DNAH9-related conditions. This variant is present in population databases (rs764035063, gnomAD 0.006%). This sequence change replaces glutamic acid, which is acidic and polar, with lysine, which is basic and polar, at codon 4235 of the DNAH9 protein (p.Glu4235Lys).

NM_001372.4(DNAH9):c.12703G>A (p.Glu4235Lys)

Gene: DNAH9 (dynein axonemal heavy chain 9; plus strand). Cytogenetic location: 17p12.
Variant type: single nucleotide variant.
Coding change: c.12703G>A on transcript NM_001372.4 (MANE Select); coding-DNA position 12703, G replaced by A.
Protein change: p.Glu4235Lys; replaces glutamic acid 4235 with lysine.
Molecular consequence: missense variant.
Genome position (GRCh38, 1-based): chr17:11,942,345, G>A. VCF-style: chr17-11942345-G-A. GRCh37 (hg19) VCF-style: chr17-11845662-G-A.
Other names: c.1639G>A, p.Glu547Lys (NM_004662.2); c.12703G>A (NM_001372.3); short protein forms E547K, E4235K.
Identifiers: ClinVar variation 1503774 (VCV001503774.6), dbSNP rs764035063, ClinGen allele CA8398237.
Genomic context (GRCh38, chr17:11,942,345, plus strand): 5'-TTTCCTTCTGTGGGGCAGGTCAAGGCACTTCTGGAAGAAATATTGGAGCGGGTGACAGAC[G>A]AGTTTAACATCCCAGAACTGATGGCCAAAGTGGAGGAGCGCACCCCTTACATTGTAGTTG-3'
Protein context (NP_001363.2, residues 4225-4245): LEEILERVTD[Glu4235Lys]FNIPELMAKV